The following is an entry in ClinVar:

NM_004187.5(KDM5C):c.3445G>T (p.Ala1149Ser)

Gene: KDM5C (lysine demethylase 5C; minus strand). Cytogenetic location: Xp11.22.
Variant type: single nucleotide variant.
Coding change: c.3445G>T on transcript NM_004187.5 (MANE Select); coding-DNA position 3445, G replaced by T.
Protein change: p.Ala1149Ser; replaces alanine 1149 with serine.
Molecular consequence: missense variant. On other transcripts: non-coding transcript variant (3).
Genome position (GRCh38, 1-based): chrX:53,194,732, C>A on the plus strand (G>T on the coding strand, the complement: KDM5C is on the minus strand). VCF-style: chrX-53194732-C-A. GRCh37 (hg19) VCF-style: chrX-53223914-C-A.
Other names: c.3244G>T, p.Ala1082Ser (NM_001146702.2); c.3442G>T, p.Ala1148Ser (NM_001282622.3, NM_001353979.2, NM_001353982.2); c.3445G>T, p.Ala1149Ser (NM_001353978.3, NM_001353981.2, NM_001353984.2); short protein forms A1082S, A1148S, A1149S.
Identifiers: ClinVar variation 1344969 (VCV001344969.2), dbSNP rs1556834940, ClinGen allele CA413109138.

ClinVar aggregate classification (germline): Uncertain significance (1 of 4 stars; one submission).

Allele frequency attached by ClinVar (database versions not stated): gnomAD exomes below 0.00001 and 0.00001; gnomAD 0.00001.

Submission:

GeneDx
Classification: Uncertain significance. Last evaluated: 2022-02-24. Review status: criteria provided, single submitter. Criteria: GeneDx Variant Classification Process June 2021. Collection method: clinical testing. Allele origin: germline. Affected: yes.
Comment: Not observed at a significant frequency in large population cohorts (gnomAD); In silico analysis supports that this missense variant does not alter protein structure/function; Has not been previously published as pathogenic or benign to our knowledge